The following is an entry in ClinVar:

ClinVar aggregate classification (germline): Pathogenic (1 of 4 stars; one submission).

Conditions:
Neurofibromatosis, type 1 (NF1). Also called: Neurofibromatosis, type I; VON RECKLINGHAUSEN DISEASE; NEUROFIBROMATOSIS, TYPE I, SOMATIC; Peripheral type neurofibromatosis. Identifiers: Orphanet 636, MedGen C0027831, MONDO:0018975, OMIM 162200. Disease mechanism: loss of function.

Submission:

Labcorp Genetics (formerly Invitae), Labcorp
Classification: Pathogenic for Neurofibromatosis, type 1. Last evaluated: 2022-07-01. Review status: criteria provided, single submitter. Criteria: Invitae Variant Classification Sherloc (09022015). Collection method: clinical testing. Allele origin: germline.
Comment: ClinVar contains an entry for this variant (Variation ID: 1455770). This variant has not been reported in the literature in individuals affected with NF1-related conditions. This variant is not present in population databases (gnomAD no frequency). This sequence change creates a premature translational stop signal (p.Leu1068Trpfs*9) in the NF1 gene. It is expected to result in an absent or disrupted protein product. Loss-of-function variants in NF1 are known to be pathogenic (PMID: 10712197, 23913538). For these reasons, this variant has been classified as Pathogenic.

Literature cited by the submitters: PubMed 10712197; PubMed 23913538.

NM_001042492.3(NF1):c.3203del (p.Leu1068fs)

Gene: NF1 (neurofibromin 1; plus strand). Cytogenetic location: 17q11.2.
Variant type: Deletion.
Coding change: c.3203del on transcript NM_001042492.3 (MANE Select); coding-DNA position 3203, one base deleted (T; older notation c.3203delT).
Protein change: p.Leu1068fs; shifts the reading frame from leucine 1068.
Molecular consequence: frameshift variant.
Genome position (GRCh38, 1-based): chr17:31,232,078, T deleted; the last of 3 consecutive T bases (chr17:31,232,076-31,232,078); deleting any one gives the same sequence. VCF-style (leftmost placement, unchanged base first): chr17-31232075-AT-A. GRCh37 (hg19) VCF-style: chr17-29559093-AT-A.
Other names: c.3203delT, p.Leu1068Trpfs (NM_000267.4); short protein forms L1068fs.
Identifiers: ClinVar variation 1455770 (VCV001455770.6), dbSNP rs2151433657, ClinGen allele CA2573153339.